The following is an entry in ClinVar:

ClinVar aggregate classification (germline): Uncertain significance (1 of 4 stars; one submission).

gnomAD v4.1: 1 of 1,611,142 alleles (0.000062%); highest among the groups gnomAD compares: African/African-American, 0.0013%; no homozygotes.

Submission:

GeneDx
Classification: Uncertain significance. Last evaluated: 2025-07-31. Review status: criteria provided, single submitter. Criteria: GeneDx Variant Classification Process June 2021. Collection method: clinical testing. Allele origin: germline. Affected: yes.
Comment: Has not been previously published as pathogenic or benign to our knowledge; In silico analysis supports that this missense variant has a deleterious effect on protein structure/function; Not observed at significant frequency in large population cohorts (gnomAD)

NM_012082.4(ZFPM2):c.2582T>C (p.Ile861Thr)

Genes: ZFPM2 (zinc finger protein, FOG family member 2; plus strand), ZFPM2-AS1 (ZFPM2 antisense RNA 1; minus strand), LOC126860469 (BRD4-independent group 4 enhancer GRCh37_chr8:106814445-106815644; plus strand). Cytogenetic location: 8q23.1.
Variant type: single nucleotide variant.
Coding change: c.2582T>C on transcript NM_012082.4 (MANE Select); coding-DNA position 2582, T replaced by C.
Protein change: p.Ile861Thr; replaces isoleucine 861 with threonine.
Molecular consequence: missense variant.
Genome position (GRCh38, 1-based): chr8:105,802,664, T>C. VCF-style: chr8-105802664-T-C. GRCh37 (hg19) VCF-style: chr8-106814892-T-C.
Other names: c.2423T>C, p.Ile808Thr (NM_001362836.2); c.2186T>C, p.Ile729Thr (NM_001362837.2); short protein forms I729T, I808T, I861T.
Identifiers: ClinVar variation 4689823 (VCV004689823.1).